The following is an entry in ClinVar:

NM_005982.4(SIX1):c.746C>T (p.Pro249Leu)

Gene: SIX1 (SIX homeobox 1; minus strand). Cytogenetic location: 14q23.1.
Variant type: single nucleotide variant.
Coding change: c.746C>T on transcript NM_005982.4 (MANE Select); coding-DNA position 746, C replaced by T.
Protein change: p.Pro249Leu; replaces proline 249 with leucine.
Molecular consequence: missense variant.
Genome position (GRCh38, 1-based): chr14:60,646,392, G>A on the plus strand (C>T on the coding strand, the complement: SIX1 is on the minus strand). VCF-style: chr14-60646392-G-A. GRCh37 (hg19) VCF-style: chr14-61113110-G-A.
Other names: short protein forms P249L.
Identifiers: ClinVar variation 884094 (VCV000884094.16), dbSNP rs368974927, ClinGen allele CA7212719.

ClinVar aggregate classification (germline): Conflicting classifications of pathogenicity. Review status: criteria provided, conflicting classifications (1 of 4 stars). 7 submissions from 6 submitters: Pathogenic (1); Uncertain significance (2); Likely benign (3). 1 of the submissions does not count toward it. Last evaluated 2025-01-23.

Conditions:
Autosomal dominant nonsyndromic hearing loss 23. Identifiers: Orphanet 90635, MedGen C1854594, MONDO:0011519, OMIM 605192.
Branchiootorenal syndrome 1. Also called: Branchio-Oto-Renal Syndrome 1. Identifiers: Orphanet 107, MedGen C4551702, MONDO:0007236, OMIM 113650.
Branchiootic syndrome 3 (BOS3). Also called: BO SYNDROME 3. Identifiers: MedGen C1842124, MONDO:0012025, OMIM 608389.
SIX1-related disorder. Also called: SIX1-related condition.

Allele frequency attached by ClinVar (database versions not stated): TOPMed 0.00013.
gnomAD v4.1: 174 of 1,613,900 alleles (0.011%); highest among the groups gnomAD compares: Non-Finnish European, 0.0043%; no homozygotes.

Submissions (7):

Labcorp Genetics (formerly Invitae), Labcorp
Classification: Likely benign for Autosomal dominant nonsyndromic hearing loss 23; Branchiootic syndrome 3. Last evaluated: 2025-01-23. Review status: criteria provided, single submitter. Criteria: Invitae Variant Classification Sherloc (09022015). Collection method: clinical testing. Allele origin: germline.

Laboratory of Prof. Karen Avraham, Tel Aviv University
Classification: Pathogenic for Autosomal dominant nonsyndromic hearing loss 23. Last evaluated: 2025-01-01. Review status: criteria provided, single submitter. Criteria: ACMG Guidelines, 2015. Collection method: research. Allele origin: germline. Inheritance: Autosomal dominant inheritance. Affected: yes. Observed: 3 variant alleles.
Comment: The c.746C>T:p.(Pro249Leu) is classified pathogenic by Deafness Variation Database based on PMID:21280147, where the first hearing impaired individual was reported. A second affected individual was reported to ClinVar by GeneDx (SCV001786287.1) as likely benign even though it was detected in an affected person. We detected this variant in three additional hearing impaired individuals in a WES study where no other candidates were found. All together, there are 5 affected individuals documented that do not have any other candidates identified in WES, supporting pathogenicity of the variant. This variant is common among Ashkenazi Jews (0.3%) but very rare in other population, suggesting a founder effect in the Ashkenazi population.

DFNA23; variable severity of HL

Department of Pathology and Laboratory Medicine, Sinai Health System
Classification: Uncertain significance for Branchiootorenal syndrome 1; Autosomal dominant nonsyndromic hearing loss 23; Branchiootic syndrome 3. Last evaluated: 2021-09-22. Review status: criteria provided, single submitter. Criteria: ACMG Guidelines, 2015. Collection method: research. Allele origin: germline.

GeneDx
Classification: Likely benign. Last evaluated: 2020-06-15. Review status: criteria provided, single submitter. Criteria: GeneDx Variant Classification Process June 2021. Collection method: clinical testing. Allele origin: germline. Affected: yes.
Comment: This variant is associated with the following publications: (PMID: 21280147)

Illumina Laboratory Services, Illumina
Classification: Uncertain significance for Autosomal dominant nonsyndromic hearing loss 23. Last evaluated: 2017-04-27. Review status: criteria provided, single submitter. Criteria: ICSL Variant Classification Criteria 13 December 2019. Collection method: clinical testing. Allele origin: germline.

Illumina Laboratory Services, Illumina
Classification: Likely benign for Branchiootic syndrome 3. Last evaluated: 2017-04-27. Review status: criteria provided, single submitter. Criteria: ICSL Variant Classification Criteria 13 December 2019. Collection method: clinical testing. Allele origin: germline.
Comment: This variant was observed as part of a predisposition screen in an ostensibly healthy population. A literature search was performed for the gene, cDNA change, and amino acid change (where applicable). Publications were found based on this search. The evidence from the literature, in combination with allele frequency data from public databases where available, was sufficient to determine this variant is unlikely to cause disease. Therefore, this variant is classified as likely benign.

PreventionGenetics, part of Exact Sciences
Classification: Likely benign for SIX1-related condition. Last evaluated: 2024-02-21. Review status: no assertion criteria provided. Collection method: clinical testing. Allele origin: germline. Not counted in ClinVar's aggregate classification.
Comment: This variant is classified as likely benign based on ACMG/AMP sequence variant interpretation guidelines (Richards et al. 2015 PMID: 25741868, with internal and published modifications).

Literature cited by the submitters: PubMed 21280147 (cited by Laboratory of Prof. Karen Avraham, Tel Aviv University and Illumina Laboratory Services, Illumina).